The following is an entry in ClinVar:

NM_024513.4(FYCO1):c.*1303C>G

Gene: FYCO1 (FYVE and coiled-coil domain autophagy adaptor 1; minus strand). Cytogenetic location: 3p21.31.
Variant type: single nucleotide variant.
Coding change: c.*1303C>G on transcript NM_024513.4 (MANE Select); 1303 bases downstream of the stop codon, C replaced by G.
Molecular consequence: 3 prime UTR variant.
Genome position (GRCh38, 1-based): chr3:45,920,462, G>C on the plus strand (C>G on the coding strand, the complement: FYCO1 is on the minus strand). VCF-style: chr3-45920462-G-C. GRCh37 (hg19) VCF-style: chr3-45961954-G-C.
Identifiers: ClinVar variation 345470 (VCV000345470.5), dbSNP rs60431156, ClinGen allele CA10616630.
Genomic context (GRCh38, chr3:45,920,462, plus strand): 5'-TCACCCCTGGCCAAACTGGGACCTTTTGTCAGATGCTCTGTTCACCCATGGAAGAACCTG[G>C]GGCCTGACTGCAGGCAGCTGGTTCCATGAACAAGGGACGAAGAGCTGTCCAAGGTGAGCT-3'

ClinVar aggregate classification (germline): Benign (1 of 4 stars; one submission).

Conditions:
Cataract 18 (CATC2). Also called: CATARACT 18, AUTOSOMAL RECESSIVE. Identifiers: Orphanet 91492, Orphanet 98991, Orphanet 98992, Orphanet 98995, MedGen C1864908, MONDO:0012395, OMIM 610019.

Allele frequency attached by ClinVar (database versions not stated): gnomAD 0.06957 and 0.07452; 1000 Genomes Project 0.07668; TOPMed 0.07891; 1000 Genomes Project 30x 0.08323.

Submission:

Illumina Laboratory Services, Illumina
Classification: Benign for Cataract 18. Last evaluated: 2018-01-13. Review status: criteria provided, single submitter. Criteria: ICSL Variant Classification Criteria 13 December 2019. Collection method: clinical testing. Allele origin: germline.
Comment: This variant was observed in the ICSL laboratory as part of a predisposition screen in an ostensibly healthy population. It had not been previously curated by ICSL or reported in the Human Gene Mutation Database (HGMD: prior to June 1st, 2018), and was therefore a candidate for classification through an automated scoring system. Utilizing variant allele frequency, disease prevalence and penetrance estimates, and inheritance mode, an automated score was calculated to assess if this variant is too frequent to cause the disease. Based on the score and internal cut-off values, a variant classified as benign is not then subjected to further curation. The score for this variant resulted in a classification of benign for this disease.